The following is an entry in ClinVar:

ClinVar aggregate classification (germline): Pathogenic (1 of 4 stars; one submission).

Allele frequency attached by ClinVar (database versions not stated): gnomAD 0.00001; TOPMed 0.00001; ExAC 0.00003; gnomAD exomes 0.00003.
gnomAD v4.1: 15 of 1,611,574 alleles (0.00093%); highest among the groups gnomAD compares: African/African-American, 0.0054%; no homozygotes.

Submission:

Labcorp Genetics (formerly Invitae), Labcorp
Classification: Pathogenic. Last evaluated: 2024-02-24. Review status: criteria provided, single submitter. Criteria: Invitae Variant Classification Sherloc (09022015). Collection method: clinical testing. Allele origin: germline.
Comment: This sequence change creates a premature translational stop signal (p.Arg490*) in the CEP250 gene. It is expected to result in an absent or disrupted protein product. Loss-of-function variants in CEP250 are known to be pathogenic (PMID: 24780881, 29718797). This variant is present in population databases (rs776554898, gnomAD 0.004%). This variant has not been reported in the literature in individuals affected with CEP250-related conditions. ClinVar contains an entry for this variant (Variation ID: 1452407). For these reasons, this variant has been classified as Pathogenic.

Literature cited by the submitters: PubMed 24780881; PubMed 29718797.

NM_007186.6(CEP250):c.1468C>T (p.Arg490Ter)

Genes: CEP250 (centrosomal protein 250; plus strand), CEP250-AS1 (CEP250 antisense RNA 1; minus strand). Cytogenetic location: 20q11.22.
Variant type: single nucleotide variant.
Coding change: c.1468C>T on transcript NM_007186.6 (MANE Select); coding-DNA position 1468, C replaced by T.
Protein change: p.Arg490Ter; replaces arginine 490 with a stop codon.
Molecular consequence: nonsense. On other transcripts: 5 prime UTR variant (1).
Genome position (GRCh38, 1-based): chr20:35,473,949, C>T. VCF-style: chr20-35473949-C-T. GRCh37 (hg19) VCF-style: chr20-34061774-C-T.
Other names: c.-432C>T (NM_001318219.1); short protein forms R490*.
Identifiers: ClinVar variation 1452407 (VCV001452407.6), dbSNP rs776554898, ClinGen allele CA9832936.